The following is an entry in ClinVar:

ClinVar aggregate classification (germline): Likely benign. Review status: reviewed by expert panel (3 of 4 stars). 4 submissions from 4 submitters: Likely benign (1). 3 of the submissions do not count toward it. Last evaluated 2023-11-14.

Conditions:
Severe combined immunodeficiency due to DCLRE1C deficiency (RS-SCID). Also called: SCID, AUTOSOMAL RECESSIVE, T CELL-NEGATIVE, B CELL-NEGATIVE, NK CELL-POSITIVE, WITH SENSITIVITY TO IONIZING RADIATION. Identifiers: Orphanet 275, MedGen C1865371, MONDO:0011225, OMIM 602450.
DCLRE1C-related disorder. Also called: DCLRE1C-related condition.

Allele frequency attached by ClinVar (database versions not stated): gnomAD exomes 0.00006 and 0.00013; gnomAD 0.00048 and 0.00051; ESP Exome Variant Server 0.00062; ExAC 0.00017; TOPMed 0.00056; 1000 Genomes Project 0.00080; 1000 Genomes Project 30x 0.00109.
gnomAD v4.1: 160 of 1,614,170 alleles (0.0099%); highest among the groups gnomAD compares: African/African-American, 0.19%; no homozygotes.

Submissions (4):

ClinGen Severe Combined Immunodeficiency Variant Curation Expert Panel, ClinGen
Classification: Likely benign for Severe combined immunodeficiency due to DCLRE1C deficiency. Last evaluated: 2023-11-14. Review status: reviewed by expert panel. Criteria: ClinGen SCID ACMG Specifications DCLRE1C V1.0.0. Collection method: curation. Allele origin: germline. Inheritance: Autosomal recessive inheritance.
Comment: The c.1791C>T (NM_001033855.3) variant in the DCLRE1C gene is a synonymous variant (p.Cys597=). The filtering allele frequency (the lower threshold of the 95% CI of 49/24970) of the c.1791C>T variant in DCLRE1C is 0.001381 for African/African American chromosomes by gnomAD v2.1.1, which is higher than the ClinGen SCID VCEP threshold 0.00078 for BS1, and therefore meets this criterion (BS1). Additionally, According to at least two in silico tools (SpliceAI and varSEAK) this synonymous variant was predicted not to impact the splice consensus sequence nor create a new splice site (BP7 met). A comprehensive literature search has not found the variant in individuals with SCID due to DCLRE1C deficiency. In summary, this variant meets the criteria to be classified as likely benign for autosomal recessive SCID based on the ACMG/AMP criteria applied, BS1 and BP7, as specified by the ClinGen SCID VCEP (VCEP specifications version 1).

Labcorp Genetics (formerly Invitae), Labcorp
Classification: Benign for Athabaskan severe combined immunodeficiency. Last evaluated: 2026-01-19. Review status: criteria provided, single submitter. Criteria: Invitae Variant Classification Sherloc (09022015). Collection method: clinical testing. Allele origin: germline. Not counted in ClinVar's aggregate classification.

Blueprint Genetics
Classification: Likely benign. Last evaluated: 2021-09-02. Review status: criteria provided, single submitter. Criteria: ACMG Guidelines, 2015. Collection method: clinical testing. Allele origin: germline. Not counted in ClinVar's aggregate classification.

PreventionGenetics, part of Exact Sciences
Classification: Likely benign for DCLRE1C-related condition. Last evaluated: 2019-12-16. Review status: no assertion criteria provided. Collection method: clinical testing. Allele origin: germline. Not counted in ClinVar's aggregate classification.
Comment: This variant is classified as likely benign based on ACMG/AMP sequence variant interpretation guidelines (Richards et al. 2015 PMID: 25741868, with internal and published modifications).

NM_001033855.3(DCLRE1C):c.1791C>T (p.Cys597=)

Gene: DCLRE1C (DNA cross-link repair 1C; minus strand). Cytogenetic location: 10p13.
Variant type: single nucleotide variant.
Coding change: c.1791C>T on transcript NM_001033855.3 (MANE Select); coding-DNA position 1791, C replaced by T.
Protein change: p.Cys597=; no amino-acid change (cysteine 597 retained).
Molecular consequence: synonymous variant. On other transcripts: non-coding transcript variant (3), intron variant (3).
Genome position (GRCh38, 1-based): chr10:14,908,696, G>A on the plus strand (C>T on the coding strand, the complement: DCLRE1C is on the minus strand). VCF-style: chr10-14908696-G-A. GRCh37 (hg19) VCF-style: chr10-14950695-G-A.
Other names: NM_001033855.3(DCLRE1C):c.1791C>T; p.Cys597=; c.1431C>T, p.Cys477= (NM_001033857.3, NM_001033858.3, NM_001289077.2 and 1 more transcripts); c.1446C>T, p.Cys482= (NM_001289076.2, NM_001289078.2, NM_022487.4); c.1437+9C>T (NM_001350966.2); c.1782+9C>T (NM_001350965.2); c.1422+9C>T (NM_001350967.2).
Identifiers: ClinVar variation 771619 (VCV000771619.14), dbSNP rs115421695, ClinGen allele CA5416407.